The following is an entry in ClinVar:

NM_004370.6(COL12A1):c.3422C>T (p.Thr1141Ile)

Gene: COL12A1 (collagen type XII alpha 1 chain; minus strand). Cytogenetic location: 6q13.
Variant type: single nucleotide variant.
Coding change: c.3422C>T on transcript NM_004370.6 (MANE Select); coding-DNA position 3422, C replaced by T.
Protein change: p.Thr1141Ile; replaces threonine 1141 with isoleucine.
Molecular consequence: missense variant. On other transcripts: intron variant (2).
Genome position (GRCh38, 1-based): chr6:75,155,683, G>A on the plus strand (C>T on the coding strand, the complement: COL12A1 is on the minus strand). VCF-style: chr6-75155683-G-A. GRCh37 (hg19) VCF-style: chr6-75865399-G-A.
Other names: c.3422C>T, p.Thr1141Ile (NM_001424113.1, NM_001424114.1); c.3149C>T, p.Thr1050Ile (NM_001424115.1); c.74-3201C>T (NM_001424116.1, NM_080645.3); short protein forms T1141I, T1050I.
Identifiers: ClinVar variation 2946445 (VCV002946445.3), dbSNP rs2533420471, ClinGen allele CA364752039.

ClinVar aggregate classification (germline): Uncertain significance (1 of 4 stars; one submission).

Conditions:
Ullrich congenital muscular dystrophy 2 (UCMD2). Identifiers: Orphanet 75840, MedGen C4225314, MONDO:0014654, OMIM 616470.
Bethlem myopathy 2 (BTHLM2). Identifiers: Orphanet 536516, Orphanet 610, MedGen C4225313, MONDO:0034022, OMIM 616471.

Submission:

Labcorp Genetics (formerly Invitae), Labcorp
Classification: Uncertain significance for Bethlem myopathy 2; Ullrich congenital muscular dystrophy 2. Last evaluated: 2023-07-16. Review status: criteria provided, single submitter. Criteria: Invitae Variant Classification Sherloc (09022015). Collection method: clinical testing. Allele origin: germline.
Comment: Advanced modeling of protein sequence and biophysical properties (such as structural, functional, and spatial information, amino acid conservation, physicochemical variation, residue mobility, and thermodynamic stability) has been performed at Invitae for this missense variant, however the output from this modeling did not meet the statistical confidence thresholds required to predict the impact of this variant on COL12A1 protein function. In summary, the available evidence is currently insufficient to determine the role of this variant in disease. Therefore, it has been classified as a Variant of Uncertain Significance. This variant has not been reported in the literature in individuals affected with COL12A1-related conditions. This variant is not present in population databases (gnomAD no frequency). This sequence change replaces threonine, which is neutral and polar, with isoleucine, which is neutral and non-polar, at codon 1141 of the COL12A1 protein (p.Thr1141Ile).